The following is an entry in ClinVar:

ClinVar aggregate classification (germline): Conflicting classifications of pathogenicity. Review status: criteria provided, conflicting classifications (1 of 4 stars). 12 submissions from 12 submitters: Uncertain significance (5); Likely benign (3). 4 of the submissions do not count toward it. Last evaluated 2026-01-20.

Conditions:
BRCA1-related cancer predisposition. Identifiers: MedGen CN377757, MONDO:0700268.
Hereditary cancer-predisposing syndrome. Also called: Tumor predisposition; Neoplastic Syndromes, Hereditary; Hereditary Cancer Syndrome; Hereditary neoplastic syndrome. Identifiers: Orphanet 140162, MedGen C0027672, MeSH D009386, MONDO:0015356.
Hereditary breast ovarian cancer syndrome. Also called: Hereditary breast and ovarian cancer syndrome (HBOC); Hereditary breast and ovarian cancer syndrome; Hereditary breast and ovarian cancer; Hereditary breast and/or ovarian cancer syndrome; Breast and ovarian cancer; BRCA1- and BRCA2-Associated Hereditary Breast and Ovarian Cancer. Identifiers: Orphanet 145, MedGen C0677776, MeSH D061325, MONDO:0003582. Disease mechanism: loss of function.
Breast-ovarian cancer, familial, susceptibility to, 1 (BROVCA1). Also called: OVARIAN CANCER, SUSCEPTIBILITY TO; BRCA1 Hereditary Breast and Ovarian Cancer. Identifiers: Orphanet 145, MedGen C2676676, MONDO:0011450, OMIM 604370. Disease mechanism: loss of function.
Malignant tumor of breast. Also called: Malignant breast neoplasm; Cancer breast. Identifiers: MedGen C0006142, MONDO:0007254. Disease mechanism: loss of function.

Allele frequency attached by ClinVar (database versions not stated): gnomAD 0.00001 and 0.00002; gnomAD exomes 0.00001 and 0.00002; ExAC 0.00002; TOPMed 0.00003.
gnomAD v4.1: 23 of 1,612,798 alleles (0.0014%); highest among the groups gnomAD compares: Non-Finnish European, 0.0019%; no homozygotes.

Submissions (12):

Labcorp Genetics (formerly Invitae), Labcorp
Classification: Likely benign for Hereditary breast ovarian cancer syndrome. Last evaluated: 2026-01-20. Review status: criteria provided, single submitter. Criteria: Invitae Variant Classification Sherloc (09022015). Collection method: clinical testing. Allele origin: germline.

Color Diagnostics, LLC DBA Color Health
Classification: Uncertain significance for Hereditary cancer-predisposing syndrome. Last evaluated: 2025-06-11. Review status: criteria provided, single submitter. Criteria: ACMG Guidelines, 2015. Collection method: clinical testing. Allele origin: germline.
Comment: This missense variant replaces threonine with arginine at codon 1376 of the BRCA1 protein. Computational prediction is inconclusive regarding the impact of this variant on protein structure and function. To our knowledge, functional studies have not been reported for this variant. A functional study has reported that this variant does not impact BRCA1 function in a homology-directed repair assay (PMID: 26689913). This variant has been reported in individuals who underwent BRCA genetic testing (PMID: 16267036) and in the BIC database (PMID: 15385441). A multifactorial analysis has reported likelihood ratios based on co-occurrence with a pathogenic variant and family history (n=1) of 1.1768 and 0.4526, respectively (PMID: 31131967). This variant has been identified in 5/249098 chromosomes in the general population by the Genome Aggregation Database (gnomAD). Although there is a suspicion that this variant may not be associated with disease, additional studies are necessary to determine the role of this variant in disease conclusively. Therefore, this variant is classified as a Variant of Uncertain Significance.

Molecular Pathology, Peter Maccallum Cancer Centre
Classification: Likely benign for Breast-ovarian cancer, familial, susceptibility to, 1. Last evaluated: 2025-05-26. Review status: criteria provided, single submitter. Criteria: ACMG Guidelines, 2015. Collection method: clinical testing. Allele origin: germline. Inheritance: Autosomal dominant inheritance.

All of Us Research Program, National Institutes of Health
Classification: Uncertain significance for BRCA1-related cancer predisposition. Last evaluated: 2024-04-16. Review status: criteria provided, single submitter. Criteria: ACMG Guidelines, 2015. Collection method: clinical testing. Allele origin: germline. Inheritance: Autosomal dominant inheritance. Observed: 6 variant alleles, 6 heterozygotes.
Comment: This missense variant replaces threonine with arginine at codon 1376 of the BRCA1 protein. Computational prediction is inconclusive regarding the impact of this variant on protein structure and function (internally defined REVEL score threshold 0.5 < inconclusive < 0.7, PMID: 27666373). A functional study has reported that this variant does not impact BRCA1 function in a homology-directed repair assay (PMID: 26689913). This variant has been reported in individuals who underwent BRCA genetic testing (PMID: 16267036) and in the BIC database (PMID: 15385441). This variant has been identified in 6/274930 chromosomes in the general population by the Genome Aggregation Database (gnomAD). The available evidence is insufficient to determine the role of this variant in disease conclusively. Therefore, this variant is classified as a Variant of Uncertain Significance.

This study involves interpretation of variants in research participants for the purpose of population health screening. Participant phenotype was not available at the time of variant classification. Additional details can be found in publication PMID: 35346344, PMCID: PMC8962531

Women's Health and Genetics/Laboratory Corporation of America, LabCorp
Classification: Uncertain significance. Last evaluated: 2023-10-16. Review status: criteria provided, single submitter. Criteria: LabCorp Variant Classification Summary - May 2015. Collection method: clinical testing. Allele origin: germline.
Comment: Variant summary: BRCA1 c.4127C>G (p.Thr1376Arg) results in a non-conservative amino acid change in the encoded protein sequence. Three of five in-silico tools predict a damaging effect of the variant on protein function. The variant allele was found at a frequency of 2e-05 in 249098 control chromosomes. The available data on variant occurrences in the general population are insufficient to allow any conclusion about variant significance. c.4127C>G has been reported in the literature in individuals affected with cancer (example, Sylvester_2022, Judkins_2005, Lu_2015). These reports do not provide unequivocal conclusions about association of the variant with Hereditary Breast and Ovarian Cancer. Co-occurrence with another pathogenic variant has been reported (BRCA2 c.3296C>G, p.Ser1099X; internal sample), providing supporting evidence for a benign role. One publication reports experimental evidence indicating that the variant does not have a significant effect on homology-directed repair (HDR; Lu_2015). The following publications have been ascertained in the context of this evaluation (PMID: 30765603, 16267036, 26689913, 15385441, 34687117, 23704879). Six submitters have cited clinical-significance assessments for this variant to ClinVar after 2014. Multiple submitters reported the variant with conflicting assessments (VUS, n=4; Likely benign, n=2). Based on the evidence outlined above, the variant was classified as VUS-possibly benign.

Quest Diagnostics Nichols Institute San Juan Capistrano
Classification: Uncertain significance. Last evaluated: 2023-09-29. Review status: criteria provided, single submitter. Criteria: Quest Diagnostics criteria. Collection method: clinical testing. Allele origin: unknown.

GeneDx
Classification: Uncertain significance. Last evaluated: 2023-08-02. Review status: criteria provided, single submitter. Criteria: GeneDx Variant Classification Process June 2021. Collection method: clinical testing. Allele origin: germline. Affected: yes.
Comment: Published functional studies demonstrate homologous directed repair activity comparable to wild type (Lu et al., 2015); Not observed at significant frequency in large population cohorts (gnomAD); In silico analysis supports that this missense variant has a deleterious effect on protein structure/function; Observed in a pediatric cancer patient (Sylvester et al., 2022); Also known as 4246C>G and 3986C>G; This variant is associated with the following publications: (PMID: 10923033, 15385441, 16267036, 23704879, 26295337, 31131967, 28726806, 29884841, 32377563, 26689913, 34687117, 15343273, 22737296)

Ambry Genetics
Classification: Likely benign for Hereditary cancer-predisposing syndrome. Last evaluated: 2018-12-24. Review status: criteria provided, single submitter. Criteria: Ambry Variant Classification Scheme 2023. Collection method: clinical testing. Allele origin: germline.

Counsyl
Classification: Uncertain significance for Breast-ovarian cancer, familial, susceptibility to, 1. Last evaluated: 2016-05-03. Review status: no assertion criteria provided. Collection method: clinical testing. Allele origin: unknown. Not counted in ClinVar's aggregate classification.

Sharing Clinical Reports Project (SCRP)
Classification: Likely benign for Breast-ovarian cancer, familial 1. Last evaluated: 2010-09-15. Review status: no assertion criteria provided. Collection method: clinical testing. Allele origin: germline. Not counted in ClinVar's aggregate classification.

Breast Cancer Information Core (BIC) (BRCA1)
Classification: Uncertain significance for Breast-ovarian cancer, familial 1. Last evaluated: 2003-12-23. Review status: no assertion criteria provided. Collection method: clinical testing. Allele origin: germline. Affected: yes. Observed: 2 variant alleles. Not counted in ClinVar's aggregate classification.

Department of Pathology and Laboratory Medicine, Sinai Health System
Classification: Uncertain significance for Malignant tumor of breast. Review status: no assertion criteria provided. Collection method: clinical testing. Allele origin: unknown. Affected: yes. Study: The Canadian Open Genetics Repository (COGR). Not counted in ClinVar's aggregate classification.
Comment: The BRCA1 p.Thr1376Arg variant was identified in the literature in computational and functional studies (Lu 2015). Myriad classifies this variant as a polymorphism (personal communication). The variant is listed in the dbSNP database (ID#:rs80356986), but no frequency information was provided. This variant was identified in the Exome Aggregation Consortium database (March 14, 2016) in 2 of 102020 chromosomes (freq. 1.96x10-5) in the following populations: European (Non-Finnish) in 2 of 55610 chromosomes (freq. 3.6x10-5), but was not seen in African, East Asian, Finnish, Latino, South Asian or Other populations; this low number of observations and low frequency is not substantive enough to determine the prevalence of the variant in the general population and its relationship to disease. The variant was identified in the ClinVar database with conflicting interpretations (as variant of uncertain significance by Invitae, Ambry Genetics and BIC and as likely benign by sharing Clinical Reports Projects); GeneInsight COGR database (by 3 clinical laboratories â€šÃ„Ã¬ 2 classified it as uncertain significance and 1 as unclassified); the BIC database (2x with unknown clinical importance), and in UMD (1x with a unclassified variant). The p.Thr1376 residue is conserved in mammals, and four out of five computational analyses (PolyPhen-2, SIFT, AlignGVGD, BLOSUM, MutationTaster) suggest that the Arginine variant may impact the protein; however, this information is not predictive enough to assume pathogenicity. In summary, based on the above information, the clinical significance of this variant cannot be determined with certainty at this time. This variant is classified as a variant of uncertain significance.

Literature cited by the submitters: PubMed 15385441 (cited by 4 submitters); PubMed 16267036 (cited by 4 submitters); PubMed 26689913 (cited by 4 submitters); PubMed 31131967 (cited by Color Diagnostics, LLC DBA Color Health); PubMed 23704879 (cited by Women's Health and Genetics/Laboratory Corporation of America, LabCorp and Quest Diagnostics Nichols Institute San Juan Capistrano); PubMed 30765603 (cited by Women's Health and Genetics/Laboratory Corporation of America, LabCorp); PubMed 34687117 (cited by Women's Health and Genetics/Laboratory Corporation of America, LabCorp and Quest Diagnostics Nichols Institute San Juan Capistrano); PubMed 26295337 (cited by Quest Diagnostics Nichols Institute San Juan Capistrano).

NM_007294.4(BRCA1):c.4127C>G (p.Thr1376Arg)

Gene: BRCA1 (BRCA1 DNA repair associated; minus strand). Cytogenetic location: 17q21.31.
Variant type: single nucleotide variant.
Coding change: c.4127C>G on transcript NM_007294.4 (MANE Select); coding-DNA position 4127, C replaced by G.
Protein change: p.Thr1376Arg; replaces threonine 1376 with arginine.
Molecular consequence: missense variant. On other transcripts: non-coding transcript variant (1).
Genome position (GRCh38, 1-based): chr17:43,091,002, G>C on the plus strand (C>G on the coding strand, the complement: BRCA1 is on the minus strand). VCF-style: chr17-43091002-G-C. GRCh37 (hg19) VCF-style: chr17-41243019-G-C.
Other names: 4246C>G; c.3791C>G, p.Thr1264Arg (NM_001407958.1, NM_001407954.1, NM_001407955.1 and 1 more transcripts); c.3746C>G, p.Thr1249Arg (NM_001407959.1, NM_001407960.1, NM_001407963.1); c.3743C>G, p.Thr1248Arg (NM_001407962.1); c.3983C>G, p.Thr1328Arg (NM_001407964.1, NM_001407740.1, NM_001407741.1 and 20 more transcripts); c.3623C>G, p.Thr1208Arg (NM_001407965.1); c.3239C>G, p.Thr1080Arg (NM_001407966.1, NM_001407967.1); c.1523C>G, p.Thr508Arg (NM_001407968.1, NM_001407969.1); and 42 more; short protein forms T1376R, T1329R, T273R, T1249R, T1328R, T1350R, T161R, T184R.
Identifiers: ClinVar variation 37571 (VCV000037571.43), dbSNP rs80356986, ClinGen allele CA002646.